The following is an entry in ClinVar:

NM_001363711.2(DUOX2):c.4540G>T (p.Val1514Leu)

Gene: DUOX2 (dual oxidase 2; minus strand). Cytogenetic location: 15q21.1.
Variant type: single nucleotide variant.
Coding change: c.4540G>T on transcript NM_001363711.2 (MANE Select); coding-DNA position 4540, G replaced by T.
Protein change: p.Val1514Leu; replaces valine 1514 with leucine.
Molecular consequence: missense variant.
Genome position (GRCh38, 1-based): chr15:45,094,257, C>A on the plus strand (G>T on the coding strand, the complement: DUOX2 is on the minus strand). VCF-style: chr15-45094257-C-A. GRCh37 (hg19) VCF-style: chr15-45386455-C-A.
Other names: c.4540G>T, p.Val1514Leu (NM_014080.5); short protein forms V1514L.
Identifiers: ClinVar variation 3626642 (VCV003626642.2).

ClinVar aggregate classification (germline): Uncertain significance (1 of 4 stars; one submission).

gnomAD v4.1: 9 of 1,614,158 alleles (0.00056%); highest among the groups gnomAD compares: Non-Finnish European, 0.00076%; no homozygotes.

Submission:

Labcorp Genetics (formerly Invitae), Labcorp
Classification: Uncertain significance. Last evaluated: 2024-10-15. Review status: criteria provided, single submitter. Criteria: Invitae Variant Classification Sherloc (09022015). Collection method: clinical testing. Allele origin: germline.
Comment: This sequence change replaces valine, which is neutral and non-polar, with leucine, which is neutral and non-polar, at codon 1514 of the DUOX2 protein (p.Val1514Leu). This variant is present in population databases (rs370582936, gnomAD 0.003%). This variant has not been reported in the literature in individuals affected with DUOX2-related conditions. Invitae Evidence Modeling of protein sequence and biophysical properties (such as structural, functional, and spatial information, amino acid conservation, physicochemical variation, residue mobility, and thermodynamic stability) indicates that this missense variant is expected to disrupt DUOX2 protein function with a positive predictive value of 95%. In summary, the available evidence is currently insufficient to determine the role of this variant in disease. Therefore, it has been classified as a Variant of Uncertain Significance.